The following is an entry in ClinVar:

NM_001080517.3(SETD5):c.3195+1G>T

Gene: SETD5 (SET domain containing 5; plus strand). Cytogenetic location: 3p25.3.
Variant type: single nucleotide variant.
Coding change: c.3195+1G>T on transcript NM_001080517.3 (MANE Select); the canonical splice donor site of the intron after coding-DNA position 3195, G replaced by T.
Molecular consequence: splice donor variant.
Genome position (GRCh38, 1-based): chr3:9,470,930, G>T. VCF-style: chr3-9470930-G-T. GRCh37 (hg19) VCF-style: chr3-9512614-G-T.
Other names: c.2901+1G>T (NM_001349451.2, NM_001292043.2).
Identifiers: ClinVar variation 489248 (VCV000489248.7), dbSNP rs1553639194, ClinGen allele CA351683142.

ClinVar aggregate classification (germline): Likely pathogenic (1 of 4 stars; one submission).

Conditions:
Intellectual disability-facial dysmorphism syndrome due to SETD5 haploinsufficiency (MRD23). Also called: Intellectual developmental disorder, autosomal dominant 23. Identifiers: Orphanet 404440, MedGen C3810406, MONDO:0014336, OMIM 615761.

Submission:

GeneDx
Classification: Likely pathogenic. Last evaluated: 2022-06-08. Review status: criteria provided, single submitter. Criteria: GeneDx Variant Classification Process June 2021. Collection method: clinical testing. Allele origin: germline. Affected: yes.
Comment: Canonical splice site variant expected to result in aberrant splicing, although in the absence of functional evidence the actual effect of this sequence change is unknown.; Not observed at significant frequency in large population cohorts (gnomAD); Has not been previously published as pathogenic or benign to our knowledge